The following is an entry in ClinVar:

NM_002334.4(LRP4):c.2387C>A (p.Thr796Asn)

Gene: LRP4 (LDL receptor related protein 4; minus strand). Cytogenetic location: 11p11.2.
Variant type: single nucleotide variant.
Coding change: c.2387C>A on transcript NM_002334.4 (MANE Select); coding-DNA position 2387, C replaced by A.
Protein change: p.Thr796Asn; replaces threonine 796 with asparagine.
Molecular consequence: missense variant.
Genome position (GRCh38, 1-based): chr11:46,886,362, G>T on the plus strand (C>A on the coding strand, the complement: LRP4 is on the minus strand). VCF-style: chr11-46886362-G-T. GRCh37 (hg19) VCF-style: chr11-46907913-G-T.
Other names: short protein forms T796N.
Identifiers: ClinVar variation 567984 (VCV000567984.10), dbSNP rs753109967, ClinGen allele CA380280459.

ClinVar aggregate classification (germline): Uncertain significance. Review status: criteria provided, multiple submitters, no conflicts (2 of 4 stars). 3 submissions from 3 submitters: Uncertain significance (3). Last evaluated 2025-10-21.

Conditions:
Inborn genetic diseases. Identifiers: MedGen C0950123, MeSH D030342.
Congenital myasthenic syndrome 17. Identifiers: Orphanet 590, MedGen C4225377, MONDO:0014578, OMIM 616304.
Sclerosteosis 2 (SOST2). Identifiers: Orphanet 3152, MedGen C3280402, MONDO:0013679, OMIM 614305.
Cenani-Lenz syndactyly syndrome. Also called: SYNDACTYLY, TYPE VII; CENANI SYNDACTYLISM. Identifiers: Orphanet 3258, MedGen C1859309, MONDO:0008931, OMIM 212780.

Submissions (3):

Ambry Genetics
Classification: Uncertain significance for Inborn genetic diseases. Last evaluated: 2025-10-21. Review status: criteria provided, single submitter. Criteria: Ambry Variant Classification Scheme 2023. Collection method: clinical testing. Allele origin: germline.

Fulgent Genetics
Classification: Uncertain significance for Cenani-Lenz syndactyly syndrome; Sclerosteosis 2; Congenital myasthenic syndrome 17. Last evaluated: 2024-01-12. Review status: criteria provided, single submitter. Criteria: ACMG Guidelines, 2015. Collection method: clinical testing. Allele origin: germline.

Labcorp Genetics (formerly Invitae), Labcorp
Classification: Uncertain significance for Cenani-Lenz syndactyly syndrome; Sclerosteosis 2; Congenital myasthenic syndrome 17. Last evaluated: 2022-07-19. Review status: criteria provided, single submitter. Criteria: Invitae Variant Classification Sherloc (09022015). Collection method: clinical testing. Allele origin: germline.
Comment: In summary, the available evidence is currently insufficient to determine the role of this variant in disease. Therefore, it has been classified as a Variant of Uncertain Significance. Algorithms developed to predict the effect of missense changes on protein structure and function are either unavailable or do not agree on the potential impact of this missense change (SIFT: "Deleterious"; PolyPhen-2: "Possibly Damaging"; Align-GVGD: "Class C0"). ClinVar contains an entry for this variant (Variation ID: 567984). This variant has not been reported in the literature in individuals affected with LRP4-related conditions. This variant is not present in population databases (gnomAD no frequency). This sequence change replaces threonine, which is neutral and polar, with asparagine, which is neutral and polar, at codon 796 of the LRP4 protein (p.Thr796Asn).